The following is an entry in ClinVar:

ClinVar aggregate classification (germline): Uncertain significance (1 of 4 stars; one submission).

Conditions:
MHC class I deficiency. Identifiers: Orphanet 34592, MedGen C6024714, MONDO:0011476.

Allele frequency attached by ClinVar (database versions not stated): TOPMed 0.00003; gnomAD 0.00002; ExAC 0.00003; gnomAD exomes 0.00002.
gnomAD v4.1: 19 of 1,603,952 alleles (0.0012%); highest among the groups gnomAD compares: African/African-American, 0.0027%; no homozygotes.

Submission:

Labcorp Genetics (formerly Invitae), Labcorp
Classification: Uncertain significance for MHC class I deficiency 1. Last evaluated: 2025-07-02. Review status: criteria provided, single submitter. Criteria: Invitae Variant Classification Sherloc (09022015). Collection method: clinical testing. Allele origin: germline.
Comment: This sequence change replaces proline, which is neutral and non-polar, with leucine, which is neutral and non-polar, at codon 311 of the TAPBP protein (p.Pro311Leu). This variant is present in population databases (rs767486136, gnomAD 0.01%). This variant has not been reported in the literature in individuals affected with TAPBP-related conditions. ClinVar contains an entry for this variant (Variation ID: 661969). An algorithm developed to predict the effect of missense changes on protein structure and function (PolyPhen-2) suggests that this variant is likely to be disruptive. In summary, the available evidence is currently insufficient to determine the role of this variant in disease. Therefore, it has been classified as a Variant of Uncertain Significance.

NM_003190.5(TAPBP):c.932C>T (p.Pro311Leu)

Gene: TAPBP (TAP binding protein; minus strand). Cytogenetic location: 6p21.32.
Variant type: single nucleotide variant.
Coding change: c.932C>T on transcript NM_003190.5 (MANE Select); coding-DNA position 932, C replaced by T.
Protein change: p.Pro311Leu; replaces proline 311 with leucine.
Molecular consequence: missense variant.
Genome position (GRCh38, 1-based): chr6:33,304,575, G>A on the plus strand (C>T on the coding strand, the complement: TAPBP is on the minus strand). VCF-style: chr6-33304575-G-A. GRCh37 (hg19) VCF-style: chr6-33272352-G-A.
Other names: c.932C>T, p.Pro311Leu (NM_172208.3); c.671C>T, p.Pro224Leu (NM_172209.3); short protein forms P311L, P224L.
Identifiers: ClinVar variation 661969 (VCV000661969.8), dbSNP rs767486136, ClinGen allele CA3755760.